The following is an entry in ClinVar:

NM_016148.5(SHANK1):c.6411C>T (p.Tyr2137=)

Gene: SHANK1 (SH3 and multiple ankyrin repeat domains 1; minus strand). Cytogenetic location: 19q13.33.
Variant type: single nucleotide variant.
Coding change: c.6411C>T on transcript NM_016148.5 (MANE Select); coding-DNA position 6411, C replaced by T.
Protein change: p.Tyr2137=; no amino-acid change (tyrosine 2137 retained).
Molecular consequence: synonymous variant.
Genome position (GRCh38, 1-based): chr19:50,662,040, G>A on the plus strand (C>T on the coding strand, the complement: SHANK1 is on the minus strand). VCF-style: chr19-50662040-G-A. GRCh37 (hg19) VCF-style: chr19-51165297-G-A.
Identifiers: ClinVar variation 708473 (VCV000708473.5), dbSNP rs145388631, ClinGen allele CA9600785.

ClinVar aggregate classification (germline): Likely benign. Review status: criteria provided, single submitter (1 of 4 stars). 2 submissions from 2 submitters: Likely benign (1). 1 of the submissions does not count toward it. Last evaluated 2018-06-05.

Conditions:
SHANK1-related disorder. Also called: SHANK1-related condition.

Allele frequency attached by ClinVar (database versions not stated): ExAC 0.00053; gnomAD exomes 0.00066 and 0.00113; gnomAD 0.00080 and 0.00083; TOPMed 0.00093; ESP Exome Variant Server 0.00108.
gnomAD v4.1: 1,751 of 1,614,054 alleles (0.11%); highest among the groups gnomAD compares: Non-Finnish European, 0.13%; 2 homozygotes.

Submissions (2):

Labcorp Genetics (formerly Invitae), Labcorp
Classification: Likely benign. Last evaluated: 2018-06-05. Review status: criteria provided, single submitter. Criteria: Invitae Variant Classification Sherloc (09022015). Collection method: clinical testing. Allele origin: germline.

PreventionGenetics, part of Exact Sciences
Classification: Likely benign for SHANK1-related condition. Last evaluated: 2019-09-24. Review status: no assertion criteria provided. Collection method: clinical testing. Allele origin: germline. Not counted in ClinVar's aggregate classification.
Comment: This variant is classified as likely benign based on ACMG/AMP sequence variant interpretation guidelines (Richards et al. 2015 PMID: 25741868, with internal and published modifications).